The following is an entry in ClinVar:

ClinVar aggregate classification (germline): Likely benign. Review status: criteria provided, multiple submitters, no conflicts (2 of 4 stars). 5 submissions from 5 submitters: Likely benign (5). Last evaluated 2025-04-08.

Conditions:
CEP290-related disorder. Also called: CEP290-related condition; CEP290-related disorders. Identifiers: MedGen CN239314.
Nephronophthisis. Also called: Juvenile Nephronophthisis. Identifiers: Orphanet 655, MedGen C0687120, MONDO:0019005, HP:0000090.
Joubert syndrome. Also called: Familial aplasia of the vermis; JOUBERT-BOLTSHAUSER SYNDROME. Identifiers: Orphanet 475, MedGen C5979921, MONDO:0018772.
Meckel-Gruber syndrome. Also called: Dysencephalia splachnocystica; DYSENCEPHALIA SPLANCHNOCYSTICA; GRUBER SYNDROME. Identifiers: Orphanet 564, MedGen C0265215, MONDO:0018921.

Allele frequency attached by ClinVar (database versions not stated): TOPMed 0.00003; gnomAD 0.00004; gnomAD exomes 0.00004 and 0.00005; ExAC 0.00006.
gnomAD v4.1: 73 of 1,611,428 alleles (0.0045%); highest among the groups gnomAD compares: Non-Finnish European, 0.0059%; no homozygotes.

Submissions (5):

PreventionGenetics, part of Exact Sciences
Classification: Likely benign for CEP290-related condition. Last evaluated: 2025-04-08. Review status: criteria provided, single submitter. Criteria: ACMG Guidelines, 2015. Collection method: clinical testing. Allele origin: germline.
Comment: This variant is classified as likely benign based on ACMG/AMP sequence variant interpretation guidelines (Richards et al. 2015 PMID: 25741868, with internal and published modifications).

Blueprint Genetics
Classification: Likely benign. Last evaluated: 2024-09-03. Review status: criteria provided, single submitter. Criteria: ACMG Guidelines, 2015. Collection method: clinical testing. Allele origin: germline.

Labcorp Genetics (formerly Invitae), Labcorp
Classification: Likely benign for Joubert syndrome; Meckel-Gruber syndrome; Nephronophthisis. Last evaluated: 2024-05-29. Review status: criteria provided, single submitter. Criteria: Invitae Variant Classification Sherloc (09022015). Collection method: clinical testing. Allele origin: germline.

CeGaT Center for Human Genetics Tuebingen
Classification: Likely benign. Last evaluated: 2023-04-01. Review status: criteria provided, single submitter. Criteria: CeGaT Center For Human Genetics Tuebingen Variant Classification Criteria Version 2. Collection method: clinical testing. Allele origin: germline. Affected: yes. Observed: 1 variant allele.
Comment: CEP290: BP4, BP7

GeneDx
Classification: Likely benign. Last evaluated: 2020-12-29. Review status: criteria provided, single submitter. Criteria: GeneDx Variant Classification Process June 2021. Collection method: clinical testing. Allele origin: germline. Affected: yes.

NM_025114.4(CEP290):c.3273G>A (p.Glu1091=)

Gene: CEP290 (centrosomal protein 290; minus strand). Cytogenetic location: 12q21.32.
Variant type: single nucleotide variant.
Coding change: c.3273G>A on transcript NM_025114.4 (MANE Select); coding-DNA position 3273, G replaced by A.
Protein change: p.Glu1091=; no amino-acid change (glutamic acid 1091 retained).
Molecular consequence: synonymous variant.
Genome position (GRCh38, 1-based): chr12:88,093,806, C>T on the plus strand (G>A on the coding strand, the complement: CEP290 is on the minus strand). VCF-style: chr12-88093806-C-T. GRCh37 (hg19) VCF-style: chr12-88487583-C-T.
Identifiers: ClinVar variation 387798 (VCV000387798.39), dbSNP rs771584252, ClinGen allele CA6712183.